The following is an entry in ClinVar:

NM_014362.4(HIBCH):c.145A>G (p.Ile49Val)

Gene: HIBCH (3-hydroxyisobutyryl-CoA hydrolase; minus strand). Cytogenetic location: 2q32.2.
Variant type: single nucleotide variant.
Coding change: c.145A>G on transcript NM_014362.4 (MANE Select); coding-DNA position 145, A replaced by G.
Protein change: p.Ile49Val; replaces isoleucine 49 with valine.
Molecular consequence: missense variant.
Genome position (GRCh38, 1-based): chr2:190,296,887, T>C on the plus strand (A>G on the coding strand, the complement: HIBCH is on the minus strand). VCF-style: chr2-190296887-T-C. GRCh37 (hg19) VCF-style: chr2-191161613-T-C.
Other names: c.145A>G, p.Ile49Val (NM_198047.3); short protein forms I49V.
Identifiers: ClinVar variation 1381380 (VCV001381380.6), dbSNP rs1370340054, ClinGen allele CA349896735.

ClinVar aggregate classification (germline): Uncertain significance (1 of 4 stars; one submission).

Conditions:
3-hydroxyisobutyryl-CoA hydrolase deficiency. Also called: Reduced circulating 3-hydroxyisobutyryl-CoA hydrolase activity; Deficiency of 3-hydroxyisobutyryl CoA hydrolase; VALINE METABOLIC DEFECT; HIBCH DEFICIENCY; METHACRYLIC ACID TOXICITY; METHACRYLIC ACIDURIA. Identifiers: Orphanet 88639, MedGen C0342738, MONDO:0009603, OMIM 250620, HP:6000215.

Allele frequency attached by ClinVar (database versions not stated): gnomAD exomes below 0.00001; TOPMed below 0.00001; gnomAD 0.00001.
gnomAD v4.1: 2 of 1,613,836 alleles (0.00012%); highest among the groups gnomAD compares: Non-Finnish European, 0.00017%; no homozygotes.

Submission:

Labcorp Genetics (formerly Invitae), Labcorp
Classification: Uncertain significance for 3-hydroxyisobutyryl-CoA hydrolase deficiency. Last evaluated: 2021-12-02. Review status: criteria provided, single submitter. Criteria: Invitae Variant Classification Sherloc (09022015). Collection method: clinical testing. Allele origin: germline.
Comment: This sequence change replaces isoleucine, which is neutral and non-polar, with valine, which is neutral and non-polar, at codon 49 of the HIBCH protein (p.Ile49Val). This variant is not present in population databases (gnomAD no frequency). This variant has not been reported in the literature in individuals affected with HIBCH-related conditions. Algorithms developed to predict the effect of missense changes on protein structure and function output the following: SIFT: "Tolerated"; PolyPhen-2: "Benign"; Align-GVGD: "Class C0". The valine amino acid residue is found in multiple mammalian species, which suggests that this missense change does not adversely affect protein function. In summary, the available evidence is currently insufficient to determine the role of this variant in disease. Therefore, it has been classified as a Variant of Uncertain Significance.